The following is an entry in ClinVar:

ClinVar aggregate classification (germline): Likely benign (1 of 4 stars; one submission).

Conditions:
Polyps, multiple and recurrent inflammatory fibroid, gastrointestinal. Identifiers: MedGen C5193005, MONDO:0008285, OMIM 175510.

Submission:

Myriad Genetics, Inc.
Classification: Likely benign for Polyps, multiple and recurrent inflammatory fibroid, gastrointestinal. Last evaluated: 2026-06-15. Review status: criteria provided, single submitter. Criteria: Myriad Autosomal Dominant, Autosomal Recessive and X-Linked Classification Criteria (2023). Collection method: clinical testing. Allele origin: unknown.
Comment: This variant is considered likely benign. This variant is intronic and is not expected to impact mRNA splicing.

NM_006206.6(PDGFRA):c.1654-14C>T

Gene: PDGFRA (platelet derived growth factor receptor alpha; plus strand). Cytogenetic location: 4q12.
Variant type: single nucleotide variant.
Coding change: c.1654-14C>T on transcript NM_006206.6 (MANE Select); 14 bases into the intron before coding-DNA position 1654, C replaced by T.
Molecular consequence: intron variant.
Genome position (GRCh38, 1-based): chr4:54,274,827, C>T. VCF-style: chr4-54274827-C-T. GRCh37 (hg19) VCF-style: chr4-55140994-C-T.
Other names: c.1729-14C>T (NM_001347828.2); c.1654-14C>T (NM_001347827.2, NM_001347829.2); c.1693-14C>T (NM_001347830.2).
Identifiers: ClinVar variation 4875840 (VCV004875840.1).
Genomic context (GRCh38, chr4:54,274,827, plus strand): 5'-TGTGCTGCTTCAGTGAAGCTCTGGTGCACTGGGACTTTGGTAATTCACCAGTTACCTGTC[C>T]TGGTCATTTATAGAAACCGAGGTATGAAATTCGCTGGAGGGTCATTGAATCAATCAGCCC-3'